The following is an entry in ClinVar:

ClinVar aggregate classification (germline): Uncertain significance. Review status: criteria provided, multiple submitters, no conflicts (2 of 4 stars). 2 submissions from 2 submitters: Uncertain significance (2). Last evaluated 2023-04-18.

Conditions:
Hereditary cancer-predisposing syndrome. Also called: Hereditary neoplastic syndrome; Neoplastic Syndromes, Hereditary; Tumor predisposition; Hereditary Cancer Syndrome. Identifiers: Orphanet 140162, MedGen C0027672, MeSH D009386, MONDO:0015356.
Tuberous sclerosis 2 (TSC2). Identifiers: Orphanet 805, MedGen C1860707, MONDO:0013199, OMIM 613254.

Submissions (2):

Ambry Genetics
Classification: Uncertain significance for Hereditary cancer-predisposing syndrome. Last evaluated: 2023-04-18. Review status: criteria provided, single submitter. Criteria: Ambry Variant Classification Scheme 2023. Collection method: clinical testing. Allele origin: germline.
Comment: The p.L95R variant (also known as c.284T>G), located in coding exon 3 of the TSC2 gene, results from a T to G substitution at nucleotide position 284. The leucine at codon 95 is replaced by arginine, an amino acid with dissimilar properties. This amino acid position is conserved. In addition, this alteration is predicted to be tolerated by in silico analysis. Since supporting evidence is limited at this time, the clinical significance of this alteration remains unclear.

Labcorp Genetics (formerly Invitae), Labcorp
Classification: Uncertain significance for Tuberous sclerosis 2. Last evaluated: 2022-03-05. Review status: criteria provided, single submitter. Criteria: Invitae Variant Classification Sherloc (09022015). Collection method: clinical testing. Allele origin: germline.
Comment: ClinVar contains an entry for this variant (Variation ID: 1002608). Advanced modeling of protein sequence and biophysical properties (such as structural, functional, and spatial information, amino acid conservation, physicochemical variation, residue mobility, and thermodynamic stability) performed at Invitae indicates that this missense variant is not expected to disrupt TSC2 protein function. In summary, the available evidence is currently insufficient to determine the role of this variant in disease. Therefore, it has been classified as a Variant of Uncertain Significance. This variant has not been reported in the literature in individuals affected with TSC2-related conditions. This sequence change replaces leucine, which is neutral and non-polar, with arginine, which is basic and polar, at codon 95 of the TSC2 protein (p.Leu95Arg). This variant is not present in population databases (gnomAD no frequency).

NM_000548.5(TSC2):c.284T>G (p.Leu95Arg)

Gene: TSC2 (TSC complex subunit 2; plus strand). Cytogenetic location: 16p13.3.
Variant type: single nucleotide variant.
Coding change: c.284T>G on transcript NM_000548.5 (MANE Select); coding-DNA position 284, T replaced by G.
Protein change: p.Leu95Arg; replaces leucine 95 with arginine.
Molecular consequence: missense variant. On other transcripts: intron variant (2).
Genome position (GRCh38, 1-based): chr16:2,053,400, T>G. VCF-style: chr16-2053400-T-G. GRCh37 (hg19) VCF-style: chr16-2103401-T-G.
Other names: c.284T>G, p.Leu95Arg (NM_001077183.3, NM_001114382.3, NM_001363528.2 and 3 more transcripts); c.137T>G, p.Leu46Arg (NM_001318829.2); c.317T>G, p.Leu106Arg (NM_001318832.2); c.226-896T>G (NM_001318827.2); c.-1-2796T>G (NM_001318831.2); c.284T>G (NM_000548.3); short protein forms L106R, L46R, L95R.
Identifiers: ClinVar variation 1002608 (VCV001002608.10), dbSNP rs2085369170, ClinGen allele CA394305735.